The following is an entry in ClinVar:

NM_004656.4(BAP1):c.1825A>G (p.Ser609Gly)

Gene: BAP1 (BRCA1 associated deubiquitinase 1; minus strand). Cytogenetic location: 3p21.1.
Variant type: single nucleotide variant.
Coding change: c.1825A>G on transcript NM_004656.4 (MANE Select); coding-DNA position 1825, A replaced by G.
Protein change: p.Ser609Gly; replaces serine 609 with glycine.
Molecular consequence: missense variant.
Genome position (GRCh38, 1-based): chr3:52,403,203, T>C on the plus strand (A>G on the coding strand, the complement: BAP1 is on the minus strand). VCF-style: chr3-52403203-T-C. GRCh37 (hg19) VCF-style: chr3-52437219-T-C.
Other names: short protein forms S609G.
Identifiers: ClinVar variation 630594 (VCV000630594.16), dbSNP rs1313950203, ClinGen allele CA353098423.

ClinVar aggregate classification (germline): Conflicting classifications of pathogenicity. Review status: criteria provided, conflicting classifications (1 of 4 stars). 3 submissions from 3 submitters: Uncertain significance (2); Likely benign (1). Last evaluated 2025-08-13.

Conditions:
Hereditary cancer-predisposing syndrome. Also called: Tumor predisposition; Neoplastic Syndromes, Hereditary; Hereditary neoplastic syndrome; Hereditary Cancer Syndrome. Identifiers: Orphanet 140162, MedGen C0027672, MeSH D009386, MONDO:0015356.
BAP1-related tumor predisposition syndrome (TPDS1). Also called: Tumor susceptibility linked to germline BAP1 mutations; BAP1 tumor predisposition syndrome; COMMON Syndrome; TUMOR PREDISPOSITION SYNDROME 1. Identifiers: Orphanet 289539, MedGen C3280492, MONDO:0013692, OMIM 614327.

Allele frequency attached by ClinVar (database versions not stated): gnomAD exomes 0.00001.
gnomAD v4.1: 4 of 1,614,212 alleles (0.00025%); highest among the groups gnomAD compares: East Asian, 0.0089%; no homozygotes.

Submissions (3):

Labcorp Genetics (formerly Invitae), Labcorp
Classification: Uncertain significance for BAP1-related tumor predisposition syndrome. Last evaluated: 2025-08-13. Review status: criteria provided, single submitter. Criteria: Invitae Variant Classification Sherloc (09022015). Collection method: clinical testing. Allele origin: germline.
Comment: This sequence change replaces serine, which is neutral and polar, with glycine, which is neutral and non-polar, at codon 609 of the BAP1 protein (p.Ser609Gly). This variant is present in population databases (no rsID available, gnomAD 0.02%). This variant has not been reported in the literature in individuals affected with BAP1-related conditions. ClinVar contains an entry for this variant (Variation ID: 630594). Invitae Evidence Modeling of protein sequence and biophysical properties (such as structural, functional, and spatial information, amino acid conservation, physicochemical variation, residue mobility, and thermodynamic stability) indicates that this missense variant is not expected to disrupt BAP1 protein function with a negative predictive value of 80%. In summary, the available evidence is currently insufficient to determine the role of this variant in disease. Therefore, it has been classified as a Variant of Uncertain Significance.

Ambry Genetics
Classification: Likely benign for Hereditary cancer-predisposing syndrome. Last evaluated: 2023-06-27. Review status: criteria provided, single submitter. Criteria: Ambry Variant Classification Scheme 2023. Collection method: clinical testing. Allele origin: germline.

Color Diagnostics, LLC DBA Color Health
Classification: Uncertain significance for Hereditary cancer-predisposing syndrome. Last evaluated: 2022-07-06. Review status: criteria provided, single submitter. Criteria: ACMG Guidelines, 2015. Collection method: clinical testing. Allele origin: germline.
Comment: This missense variant replaces serine with glycine at codon 609 of the BAP1 protein. Computational prediction suggests that this variant may not impact protein structure and function (internally defined REVEL score threshold <= 0.5, PMID: 27666373). To our knowledge, functional studies have not been reported for this variant. This variant has not been reported in individuals affected with hereditary cancer in the literature. This variant has been identified in 3/251448 chromosomes in the general population by the Genome Aggregation Database (gnomAD). The available evidence is insufficient to determine the role of this variant in disease conclusively. Therefore, this variant is classified as a Variant of Uncertain Significance.